The following is an entry in ClinVar:

NM_000180.4(GUCY2D):c.511G>A (p.Ala171Thr)

Gene: GUCY2D (guanylate cyclase 2D, retinal; plus strand). Cytogenetic location: 17p13.1.
Variant type: single nucleotide variant.
Coding change: c.511G>A on transcript NM_000180.4 (MANE Select); coding-DNA position 511, G replaced by A.
Protein change: p.Ala171Thr; replaces alanine 171 with threonine.
Molecular consequence: missense variant.
Genome position (GRCh38, 1-based): chr17:8,003,558, G>A. VCF-style: chr17-8003558-G-A. GRCh37 (hg19) VCF-style: chr17-7906876-G-A.
Other names: short protein forms A171T.
Identifiers: ClinVar variation 4621238 (VCV004621238.1).

ClinVar aggregate classification (germline): Uncertain significance (1 of 4 stars; one submission).

Conditions:
Inborn genetic diseases. Identifiers: MedGen C0950123, MeSH D030342.

Submission:

Ambry Genetics
Classification: Uncertain significance for Inborn genetic diseases. Last evaluated: 2025-11-20. Review status: criteria provided, single submitter. Criteria: Ambry Variant Classification Scheme 2023. Collection method: clinical testing. Allele origin: germline.
Comment: The c.511G>A (p.A171T) alteration is located in exon 2 (coding exon 1) of the GUCY2D gene. This alteration results from a G to A substitution at nucleotide position 511, causing the alanine (A) at amino acid position 171 to be replaced by a threonine (T). Based on data from gnomAD, the A allele has an overall frequency of 0.003% (1/31350) total alleles studied. The highest observed frequency was 0.007% (1/15408) of European (non-Finnish) alleles. Based on insufficient or conflicting evidence, the clinical significance of this alteration remains unclear.